The following is an entry in ClinVar:

NM_182961.4(SYNE1):c.10060G>C (p.Glu3354Gln)

Gene: SYNE1 (spectrin repeat containing nuclear envelope protein 1; minus strand). Cytogenetic location: 6q25.2.
Variant type: single nucleotide variant.
Coding change: c.10060G>C on transcript NM_182961.4 (MANE Select); coding-DNA position 10060, G replaced by C.
Protein change: p.Glu3354Gln; replaces glutamic acid 3354 with glutamine.
Molecular consequence: missense variant.
Genome position (GRCh38, 1-based): chr6:152,364,932, C>G on the plus strand (G>C on the coding strand, the complement: SYNE1 is on the minus strand). VCF-style: chr6-152364932-C-G. GRCh37 (hg19) VCF-style: chr6-152686067-C-G.
Other names: c.10081G>C, p.Glu3361Gln (NM_033071.5); short protein forms E3354Q, E3361Q.
Identifiers: ClinVar variation 288575 (VCV000288575.10), dbSNP rs773410652, ClinGen allele CA4057087.

ClinVar aggregate classification (germline): Uncertain significance. Review status: criteria provided, multiple submitters, no conflicts (2 of 4 stars). 3 submissions from 3 submitters: Uncertain significance (3). Last evaluated 2025-11-05.

Conditions:
Autosomal recessive ataxia, Beauce type. Also called: Spinocerebellar ataxia, autosomal recessive 8; ATAXIA, RECESSIVE, OF BEAUCE; SYNE1 Deficiency; SYNE1-Related Autosomal Recessive Cerebellar Ataxia. Identifiers: Orphanet 88644, MedGen C1853116, MONDO:0012549, OMIM 610743.
Emery-Dreifuss muscular dystrophy 4, autosomal dominant (EDMD4). Also called: EMERY-DREIFUSS MUSCULAR DYSTROPHY 4 WITH VARIABLE FEATURES. Identifiers: Orphanet 261, MedGen C2751807, MONDO:0013071, OMIM 612998.

Allele frequency attached by ClinVar (database versions not stated): gnomAD 0.00001; ExAC 0.00002; gnomAD exomes 0.00002; TOPMed 0.00002.
gnomAD v4.1: 29 of 1,614,100 alleles (0.0018%); highest among the groups gnomAD compares: Non-Finnish European, 0.0025%; no homozygotes.

Submissions (3):

Women's Health and Genetics/Laboratory Corporation of America, LabCorp
Classification: Uncertain significance. Last evaluated: 2025-11-05. Review status: criteria provided, single submitter. Criteria: LabCorp Variant Classification Summary - May 2015. Collection method: clinical testing. Allele origin: germline.
Comment: Variant summary: SYNE1 c.10081G>C (p.Glu3361Gln) results in a conservative amino acid change in the encoded protein sequence. Algorithms developed to predict the effect of missense changes on protein structure and function are either unavailable or do not agree on the potential impact of this missense change. The variant allele was found at a frequency of 2e-05 in 251490 control chromosomes. The available data on variant occurrences in the general population are insufficient to allow any conclusion about variant significance. To our knowledge, no occurrence of c.10081G>C in individuals affected with SYNE1-related conditions and no experimental evidence demonstrating its impact on protein function have been reported. ClinVar contains an entry for this variant (Variation ID: 288575). Based on the evidence outlined above, the variant was classified as uncertain significance.

Labcorp Genetics (formerly Invitae), Labcorp
Classification: Uncertain significance for Emery-Dreifuss muscular dystrophy 4, autosomal dominant; Autosomal recessive ataxia, Beauce type. Last evaluated: 2021-08-31. Review status: criteria provided, single submitter. Criteria: Invitae Variant Classification Sherloc (09022015). Collection method: clinical testing. Allele origin: germline.
Comment: This sequence change replaces glutamic acid with glutamine at codon 3361 of the SYNE1 protein (p.Glu3361Gln). The glutamic acid residue is highly conserved and there is a small physicochemical difference between glutamic acid and glutamine. This variant is present in population databases (rs773410652, ExAC 0.004%). This variant has not been reported in the literature in individuals affected with SYNE1-related conditions. ClinVar contains an entry for this variant (Variation ID: 288575). Algorithms developed to predict the effect of missense changes on protein structure and function are either unavailable or do not agree on the potential impact of this missense change (SIFT: "Deleterious"; PolyPhen-2: "Benign"; Align-GVGD: "Class C25"). In summary, the available evidence is currently insufficient to determine the role of this variant in disease. Therefore, it has been classified as a Variant of Uncertain Significance.

Eurofins Ntd Llc (ga)
Classification: Uncertain significance. Last evaluated: 2016-06-13. Review status: criteria provided, single submitter. Criteria: EGL Classification Definitions 2015. Collection method: clinical testing. Allele origin: germline. Observed: 1 variant allele, 1 heterozygote.